The following is an entry in ClinVar:

ClinVar aggregate classification (germline): Uncertain significance (1 of 4 stars; one submission).

Conditions:
Autosomal dominant epilepsy with auditory features. Identifiers: Orphanet 101046, MedGen C1838062, MONDO:0010898.

Submission:

Labcorp Genetics (formerly Invitae), Labcorp
Classification: Uncertain significance for Autosomal dominant epilepsy with auditory features. Last evaluated: 2022-08-25. Review status: criteria provided, single submitter. Criteria: Invitae Variant Classification Sherloc (09022015). Collection method: clinical testing. Allele origin: germline.
Comment: In summary, the available evidence is currently insufficient to determine the role of this variant in disease. Therefore, it has been classified as a Variant of Uncertain Significance. Algorithms developed to predict the effect of missense changes on protein structure and function (SIFT, PolyPhen-2, Align-GVGD) all suggest that this variant is likely to be tolerated. This variant has not been reported in the literature in individuals affected with LGI1-related conditions. This variant is not present in population databases (gnomAD no frequency). This sequence change replaces isoleucine, which is neutral and non-polar, with valine, which is neutral and non-polar, at codon 289 of the LGI1 protein (p.Ile289Val).

NM_005097.4(LGI1):c.865A>G (p.Ile289Val)

Gene: LGI1 (leucine rich glioma inactivated 1; plus strand). Cytogenetic location: 10q23.33.
Variant type: single nucleotide variant.
Coding change: c.865A>G on transcript NM_005097.4 (MANE Select); coding-DNA position 865, A replaced by G.
Protein change: p.Ile289Val; replaces isoleucine 289 with valine.
Molecular consequence: missense variant. On other transcripts: non-coding transcript variant (1), intron variant (1).
Genome position (GRCh38, 1-based): chr10:93,796,994, A>G. VCF-style: chr10-93796994-A-G. GRCh37 (hg19) VCF-style: chr10-95556751-A-G.
Other names: c.721A>G, p.Ile241Val (NM_001308276.2); c.839-755A>G (NM_001308275.2); short protein forms I241V, I289V.
Identifiers: ClinVar variation 1941340 (VCV001941340.5), dbSNP rs961934578, ClinGen allele CA377626247.